The following is an entry in ClinVar:

NM_002693.3(POLG):c.1586-5C>T

Genes: MIR6766 (microRNA 6766; minus strand), POLG (DNA polymerase gamma, catalytic subunit; minus strand). Cytogenetic location: 15q26.1.
Variant type: single nucleotide variant.
Coding change: c.1586-5C>T on transcript NM_002693.3 (MANE Select); 5 bases into the intron before coding-DNA position 1586, C replaced by T.
Molecular consequence: intron variant. On other transcripts: non-coding transcript variant (1).
Genome position (GRCh38, 1-based): chr15:89,326,743, G>A on the plus strand (C>T on the coding strand, the complement: POLG is on the minus strand). VCF-style: chr15-89326743-G-A. GRCh37 (hg19) VCF-style: chr15-89869974-G-A.
Other names: c.1586-5C>T (NM_001126131.2).
Identifiers: ClinVar variation 379064 (VCV000379064.17), dbSNP rs747270023, ClinGen allele CA7724757.
Genomic context (GRCh38, chr15:89,326,743, plus strand): 5'-GGCGCGGGCCATGACATCTTGTTGAAACTCCTCCTCCTCACTGCAGGGGCCGAGGTCTGT[G>A]AGGGTGGGGGAAGACAATCAGGAGCAGGAGAAGGAACTCTCAATAAGATCTGCTCCCACC-3'

ClinVar aggregate classification (germline): Conflicting classifications of pathogenicity. Review status: criteria provided, conflicting classifications (1 of 4 stars). 4 submissions from 4 submitters: Uncertain significance (1); Likely benign (2). 1 of the submissions does not count toward it. Last evaluated 2026-07-01.

Conditions:
POLG-related disorder. Also called: POLG-Related Spectrum Disorders; POLG-related condition; POLG-Related Disorders. Identifiers: MedGen C4763519.
Progressive sclerosing poliodystrophy (MTDPS4A). Also called: ALPERS DIFFUSE DEGENERATION OF CEREBRAL GRAY MATTER WITH HEPATIC CIRRHOSIS; Mitochondrial DNA depletion syndrome 4A (Alpers type); Alpers Syndrome; Mitochondrial DNA Depletion Syndrome 4A; Alpers-Huttenlocher Syndrome (AHS); NEURONAL DEGENERATION OF CHILDHOOD WITH LIVER DISEASE, PROGRESSIVE. Identifiers: Orphanet 726, MedGen C0205710, MONDO:0008758, OMIM 203700.

Allele frequency attached by ClinVar (database versions not stated): ExAC 0.00002; gnomAD 0.00003 and 0.00004; TOPMed 0.00007.
gnomAD v4.1: 24 of 1,609,054 alleles (0.0015%); highest among the groups gnomAD compares: Admixed American, 0.022%; no homozygotes.

Submissions (4):

CeGaT Center for Human Genetics Tuebingen
Classification: Uncertain significance. Last evaluated: 2026-07-01. Review status: criteria provided, single submitter. Criteria: CeGaT Center For Human Genetics Tuebingen Variant Classification Criteria Version 2. Collection method: clinical testing. Allele origin: germline. Affected: yes. Observed: 1 variant allele.
Comment: POLG: PM2, BP4

Labcorp Genetics (formerly Invitae), Labcorp
Classification: Likely benign for Progressive sclerosing poliodystrophy. Last evaluated: 2026-01-26. Review status: criteria provided, single submitter. Criteria: Invitae Variant Classification Sherloc (09022015). Collection method: clinical testing. Allele origin: germline.

GeneDx
Classification: Likely benign. Last evaluated: 2021-10-19. Review status: criteria provided, single submitter. Criteria: GeneDx Variant Classification Process June 2021. Collection method: clinical testing. Allele origin: germline. Affected: yes.

PreventionGenetics, part of Exact Sciences
Classification: Likely benign for POLG-related condition. Last evaluated: 2022-04-14. Review status: no assertion criteria provided. Collection method: clinical testing. Allele origin: germline. Not counted in ClinVar's aggregate classification.
Comment: This variant is classified as likely benign based on ACMG/AMP sequence variant interpretation guidelines (Richards et al. 2015 PMID: 25741868, with internal and published modifications).